The following is an entry in ClinVar:

ClinVar aggregate classification (germline): Uncertain significance. Review status: criteria provided, multiple submitters, no conflicts (2 of 4 stars). 2 submissions from 2 submitters: Uncertain significance (2). Last evaluated 2024-11-25.

Conditions:
Inborn genetic diseases. Identifiers: MedGen C0950123, MeSH D030342.

Allele frequency attached by ClinVar (database versions not stated): gnomAD 0.00001; TOPMed 0.00001; gnomAD exomes 0.00002.
gnomAD v4.1: 6 of 1,614,034 alleles (0.00037%); highest among the groups gnomAD compares: Admixed American, 0.01%; no homozygotes.

Submissions (2):

Ambry Genetics
Classification: Uncertain significance for Inborn genetic diseases. Last evaluated: 2024-11-25. Review status: criteria provided, single submitter. Criteria: Ambry Variant Classification Scheme 2023. Collection method: clinical testing. Allele origin: germline.

Labcorp Genetics (formerly Invitae), Labcorp
Classification: Uncertain significance. Last evaluated: 2021-09-26. Review status: criteria provided, single submitter. Criteria: Invitae Variant Classification Sherloc (09022015). Collection method: clinical testing. Allele origin: germline.
Comment: This variant is not present in population databases (ExAC no frequency). This sequence change replaces isoleucine with leucine at codon 647 of the FERMT1 protein (p.Ile647Leu). The isoleucine residue is highly conserved and there is a small physicochemical difference between isoleucine and leucine. This variant has not been reported in the literature in individuals affected with FERMT1-related conditions. In summary, the available evidence is currently insufficient to determine the role of this variant in disease. Therefore, it has been classified as a Variant of Uncertain Significance. Algorithms developed to predict the effect of missense changes on protein structure and function are either unavailable or do not agree on the potential impact of this missense change (SIFT: "Deleterious"; PolyPhen-2: "Probably Damaging"; Align-GVGD: "Class C0").

NM_017671.5(FERMT1):c.1939A>C (p.Ile647Leu)

Gene: FERMT1 (FERM domain containing kindlin 1; minus strand). Cytogenetic location: 20p12.3.
Variant type: single nucleotide variant.
Coding change: c.1939A>C on transcript NM_017671.5 (MANE Select); coding-DNA position 1939, A replaced by C.
Protein change: p.Ile647Leu; replaces isoleucine 647 with leucine.
Molecular consequence: missense variant.
Genome position (GRCh38, 1-based): chr20:6,077,268, T>G on the plus strand (A>C on the coding strand, the complement: FERMT1 is on the minus strand). VCF-style: chr20-6077268-T-G. GRCh37 (hg19) VCF-style: chr20-6057915-T-G.
Other names: c.1939A>C (NM_017671.4); short protein forms I647L.
Identifiers: ClinVar variation 1466139 (VCV001466139.5), dbSNP rs1287656788, ClinGen allele CA408175623.